The following is an entry in ClinVar:

NM_001385641.1(SAMD11):c.1763G>C (p.Arg588Pro)

Gene: SAMD11 (sterile alpha motif domain containing 11; plus strand). Cytogenetic location: 1p36.33.
Variant type: single nucleotide variant.
Coding change: c.1763G>C on transcript NM_001385641.1 (MANE Select); coding-DNA position 1763, G replaced by C.
Protein change: p.Arg588Pro; replaces arginine 588 with proline.
Molecular consequence: missense variant.
Genome position (GRCh38, 1-based): chr1:942,768, G>C. VCF-style: chr1-942768-G-C. GRCh37 (hg19) VCF-style: chr1-878148-G-C.
Other names: c.1766G>C, p.Arg589Pro (NM_001385640.1); c.1274G>C, p.Arg425Pro (NM_152486.4); short protein forms R425P, R588P, R589P.
Identifiers: ClinVar variation 1052010 (VCV001052010.7), dbSNP rs972012141, ClinGen allele CA16725063.
Genomic context (GRCh38, chr1:942,768, plus strand): 5'-CGCCACTGCTGGCCCTGCCCCCCCAGGGGCCCCCGGGCTCCGGACCCCCCACCCCGTCCC[G>C]GGACTCTGCCCGGCGAGCCCCCCGGAAGGGGGGTCCCGGCCCTGCCTCAGCGCGGCCCAG-3'
Protein context (NP_001372570.1, residues 578-598): PPGSGPPTPS[Arg588Pro]DSARRAPRKG

ClinVar aggregate classification (germline): Uncertain significance (1 of 4 stars; one submission).

Allele frequency attached by ClinVar (database versions not stated): gnomAD 0.00001; gnomAD exomes 0.00002.
gnomAD v4.1: 23 of 1,531,322 alleles (0.0015%); highest among the groups gnomAD compares: Admixed American, 0.0061%; no homozygotes.

Submission:

Labcorp Genetics (formerly Invitae), Labcorp
Classification: Uncertain significance. Last evaluated: 2022-02-24. Review status: criteria provided, single submitter. Criteria: Invitae Variant Classification Sherloc (09022015). Collection method: clinical testing. Allele origin: germline.
Comment: Algorithms developed to predict the effect of missense changes on protein structure and function are either unavailable or do not agree on the potential impact of this missense change (SIFT: "Deleterious"; PolyPhen-2: "Benign"; Align-GVGD: "Class C35"). In summary, the available evidence is currently insufficient to determine the role of this variant in disease. Therefore, it has been classified as a Variant of Uncertain Significance. ClinVar contains an entry for this variant (Variation ID: 1052010). This variant has not been reported in the literature in individuals affected with SAMD11-related conditions. This variant is present in population databases (no rsID available, gnomAD 0.002%). This sequence change replaces arginine, which is basic and polar, with proline, which is neutral and non-polar, at codon 425 of the SAMD11 protein (p.Arg425Pro).